The following is an entry in ClinVar:

NM_003590.5(CUL3):c.67-11914G>A

Gene: CUL3 (cullin 3; minus strand). Cytogenetic location: 2q36.2.
Variant type: single nucleotide variant.
Coding change: c.67-11914G>A on transcript NM_003590.5 (MANE Select); 11914 bases into the intron before coding-DNA position 67, G replaced by A.
Molecular consequence: intron variant. On other transcripts: missense variant (1), initiator codon variant (1).
Genome position (GRCh38, 1-based): chr2:224,569,770, C>T on the plus strand (G>A on the coding strand, the complement: CUL3 is on the minus strand). VCF-style: chr2-224569770-C-T. GRCh37 (hg19) VCF-style: chr2-225434487-C-T.
Other names: c.3G>A, p.Met1Ile (NM_001257198.2); c.66+15174G>A (NM_001257197.2); short protein forms M1I.
Identifiers: ClinVar variation 4976042 (VCV004976042.1).
Genomic context (GRCh38, chr2:224,569,770, plus strand): 5'-TACTGAGAGAACTACATCATGAGACAAATTAAAACTAAATGAAAAGAAGTGAATTCTTAA[C>T]ATCTACTACATACAAAGGACAAGAAGTCTTTAGTCCTCTGTGAATAATTTTCTACAAGAA-3'

ClinVar aggregate classification (germline): Uncertain significance (1 of 4 stars; one submission).

Submission:

GeneDx
Classification: Uncertain significance. Last evaluated: 2026-02-02. Review status: criteria provided, single submitter. Criteria: GeneDx Variant Classification Process June 2021. Collection method: clinical testing. Allele origin: germline.
Comment: Not observed at significant frequency in large population cohorts (gnomAD); Initiation codon variant predicted to alter the protein; however, a downstream in-frame Methionine residue could serve as an alternate initiator codon; Has not been previously published as pathogenic or benign to our knowledge; Reported using an alternate transcript of the gene